The following is an entry in ClinVar:

ClinVar aggregate classification (germline): Conflicting classifications of pathogenicity. Review status: criteria provided, conflicting classifications (1 of 4 stars). 4 submissions from 4 submitters: Pathogenic (1); Likely pathogenic (1); Uncertain significance (2). Last evaluated 2025-12-09.

Conditions:
Ehlers-Danlos syndrome, type 4 (EDSVASC). Also called: Ehlers-Danlos syndrome vascular type; Ehlers Danlos syndrome, ecchymotic type; Ehlers Danlos syndrome, arterial type; Ehlers Danlos syndrome, Sack-Barabas type; Ehlers-Danlos Syndrome Type IV. Identifiers: Orphanet 286, MedGen C0268338, MONDO:0017314, OMIM 130050.

gnomAD v4.1: 1 of 1,613,912 alleles (0.000062%); highest among the groups gnomAD compares: Non-Finnish European, 0.000085%; no homozygotes.

Submissions (4):

Labcorp Genetics (formerly Invitae), Labcorp
Classification: Pathogenic for Ehlers-Danlos syndrome, type 4. Last evaluated: 2025-12-09. Review status: criteria provided, single submitter. Criteria: Invitae Variant Classification Sherloc (09022015). Collection method: clinical testing. Allele origin: germline.
Comment: This sequence change replaces glutamic acid, which is acidic and polar, with lysine, which is basic and polar, at codon 931 of the COL3A1 protein (p.Glu931Lys). This variant is not present in population databases (gnomAD no frequency). This missense change has been observed in individual(s) with clinical features of Ehlers-Danlos syndrome (PMID: 35587586, 37079061; internal data). In at least one individual the variant was observed to be de novo. ClinVar contains an entry for this variant (Variation ID: 451109). Invitae Evidence Modeling of protein sequence and biophysical properties (such as structural, functional, and spatial information, amino acid conservation, physicochemical variation, residue mobility, and thermodynamic stability) has been performed for this missense variant. However, the output from this modeling did not meet the statistical confidence thresholds required to predict the impact of this variant on COL3A1 protein function. For these reasons, this variant has been classified as Pathogenic.

All of Us Research Program, National Institutes of Health
Classification: Likely pathogenic for Ehlers-Danlos syndrome, type 4. Last evaluated: 2024-04-25. Review status: criteria provided, single submitter. Criteria: ACMG Guidelines, 2015. Collection method: clinical testing. Allele origin: germline. Inheritance: Autosomal dominant inheritance. Observed: 1 variant allele, 1 heterozygote.
Comment: This missense variant replaces glutamic acid with lysine at codon 931 in the triple-helical region of the COL3A1 protein. Computational prediction is inconclusive regarding the impact of this variant on protein structure and function. To our knowledge, functional studies have not been reported for this variant. This variant has been reported in three unrelated individuals affected with Ehlers-Danlos syndrome and observed to be de novo in one of these individuals (PMID: 35587586). This variant has also been reported in several individuals affected with soft connective tissue disorder (LOVD individual #00417045), unclassified form of syndromic joint hypermobility (PMID: 37079061), and other COL3A1-related conditions (communication with external laboratories; ClinVar SCV001227672.4: 1, SCV000619761.2). This variant has not been identified in the general population by the Genome Aggregation Database (gnomAD). Multiple other glutamic acid-to-lysine substitutions in the triple-helical region have been reported in individuals with vasclar Ehlers-Danlos syndrome (PMID: 30837697). Based on the available evidence, this variant is classified as Likely Pathogenic.

This study involves interpretation of variants in research participants for the purpose of population health screening. Participant phenotype was not available at the time of variant classification. Additional details can be found in publication PMID: 35346344, PMCID: PMC8962531

Clinical Genetics Laboratory, Skane University Hospital Lund
Classification: Uncertain significance. Last evaluated: 2022-05-27. Review status: criteria provided, single submitter. Criteria: ACMG Guidelines, 2015. Collection method: clinical testing. Allele origin: germline. Affected: yes.

GeneDx
Classification: Uncertain significance. Last evaluated: 2018-03-05. Review status: criteria provided, single submitter. Criteria: GeneDx Variant Classification (06012015). Collection method: clinical testing. Allele origin: germline. Affected: yes.
Comment: A variant of uncertain significance has been identified in the COL3A1 gene. The E931K variant has not been published as pathogenic or been reported as benign to our knowledge. This variant is also not observed in large population cohorts (Lek et al., 2016; 1000 Genomes Consortium et al., 2015; Exome Variant Server). The E931K variant is a non-conservative amino acid substitution, which is likely to impact secondary protein structure as these residues differ in polarity, charge, size and/or other properties. Additionally, this substitution occurs within the triple helical region of the COL3A1 gene, at a position that is conserved across species, and in silico analysis predicts this variant is probably damaging to the protein structure/function. However, E931K does not affect a Glycine residue in a Gly-X-Y motif in the triple helical region of the COL3A1 gene, where the majority of pathogenic missense variants occur (Stenson et al., 2014; Symoens et al., 2012). Furthermore, this variant has not been observed in a significant number of affected individuals, and it lacks both segregation and functional studies which would further clarify its pathogenicity.

Literature cited by the submitters: PubMed 35587586 (cited by Labcorp Genetics (formerly Invitae), Labcorp and All of Us Research Program, National Institutes of Health); PubMed 37079061 (cited by Labcorp Genetics (formerly Invitae), Labcorp and All of Us Research Program, National Institutes of Health); PubMed 30837697 (cited by All of Us Research Program, National Institutes of Health).

NM_000090.4(COL3A1):c.2791G>A (p.Glu931Lys)

Gene: COL3A1 (collagen type III alpha 1 chain; plus strand). Cytogenetic location: 2q32.2.
Variant type: single nucleotide variant.
Coding change: c.2791G>A on transcript NM_000090.4 (MANE Select); coding-DNA position 2791, G replaced by A.
Protein change: p.Glu931Lys; replaces glutamic acid 931 with lysine.
Molecular consequence: missense variant.
Genome position (GRCh38, 1-based): chr2:189,004,111, G>A. VCF-style: chr2-189004111-G-A. GRCh37 (hg19) VCF-style: chr2-189868837-G-A.
Other names: short protein forms E931K.
Identifiers: ClinVar variation 451109 (VCV000451109.14), dbSNP rs1553509193, ClinGen allele CA349844188.